The following is an entry in ClinVar:

ClinVar aggregate classification (germline): Pathogenic/Likely pathogenic. Review status: criteria provided, multiple submitters, no conflicts (2 of 4 stars). 2 submissions from 2 submitters: Pathogenic (1); Likely pathogenic (1). Last evaluated 2026-09-08.

Conditions:
Fabry disease. Also called: Ceramide trihexosidosis; Fabry's disease; ALPHA-GALACTOSIDASE A DEFICIENCY; ANDERSON-FABRY DISEASE; CERAMIDE TRIHEXOSIDASE DEFICIENCY; GLA DEFICIENCY. Identifiers: Orphanet 324, MedGen C0002986, MONDO:0010526, OMIM 301500, HP:0001071. Disease mechanism: Fabry disease is due to inactivating mutations in the X-linked GLA gene resulting in deficiency of the enzyme Alpha Galactosidase-A., loss of function.

Submissions (2):

Genomenon, Inc
Classification: Pathogenic for Fabry disease. Last evaluated: 2026-09-08. Review status: criteria provided, single submitter. Criteria: Genomenon Sequence Variant Interpretation Standards - Updated. Collection method: curation. Allele origin: germline. Affected: yes.
Comment: GLA p.Pro265Ser (c.793C>T) is a missense variant that changes the amino acid at codon 265 from Proline to Serine. This variant has been observed in at least one proband with clinical features consistent with Fabry disease (PMID:28736719;39980015;31599343). The variant was found to segregate with disease in at least one affected family (PMID:31599343). A de novo occurrence of this variant has been observed in at least one affected individual (PMID:31599343). At least one functional study has demonstrated a substantial alteration in protein function relative to the wild-type (PMID:32023956;27657681). This variant is located in a mutational hotspot and/or important functional domain. It is absent or not present at a significant frequency in gnomAD. In silico models predict that this variant is possibly or probably damaging. In conclusion, we classify GLA p.Pro265Ser (c.793C>T) as a pathogenic variant.

Revvity Omics, Revvity
Classification: Likely pathogenic. Last evaluated: 2022-05-23. Review status: criteria provided, single submitter. Criteria: ACMG Guidelines, 2015. Collection method: clinical testing. Allele origin: germline.

Literature cited by the submitters: PubMed 28736719 (cited by Genomenon, Inc); PubMed 39980015 (cited by Genomenon, Inc); PubMed 31599343 (cited by Genomenon, Inc); PubMed 32023956 (cited by Genomenon, Inc); PubMed 27657681 (cited by Genomenon, Inc).

NM_000169.3(GLA):c.793C>T (p.Pro265Ser)

Genes: GLA (galactosidase alpha; minus strand), RPL36A-HNRNPH2 (RPL36A-HNRNPH2 readthrough; plus strand). Cytogenetic location: Xq22.1.
Variant type: single nucleotide variant.
Coding change: c.793C>T on transcript NM_000169.3 (MANE Select); coding-DNA position 793, C replaced by T.
Protein change: p.Pro265Ser; replaces proline 265 with serine.
Molecular consequence: missense variant. On other transcripts: non-coding transcript variant (3), intron variant (2).
Genome position (GRCh38, 1-based): chrX:101,398,793, G>A on the plus strand (C>T on the coding strand, the complement: GLA is on the minus strand). VCF-style: chrX-101398793-G-A. GRCh37 (hg19) VCF-style: chrX-100653781-G-A.
Other names: c.916C>T, p.Pro306Ser (NM_001406747.1); c.793C>T, p.Pro265Ser (NM_001406748.1); c.300+3336G>A (NM_001199973.2); c.177+6971G>A (NM_001199974.2); short protein forms P265S, P306S.
Identifiers: ClinVar variation 2440492 (VCV002440492.5), dbSNP rs869312406, ClinGen allele CA352484.